The following is an entry in ClinVar:

NM_033026.6(PCLO):c.6472G>T (p.Ala2158Ser)

Gene: PCLO (piccolo presynaptic cytomatrix protein; minus strand). Cytogenetic location: 7q21.11.
Variant type: single nucleotide variant.
Coding change: c.6472G>T on transcript NM_033026.6 (MANE Select); coding-DNA position 6472, G replaced by T.
Protein change: p.Ala2158Ser; replaces alanine 2158 with serine.
Molecular consequence: missense variant.
Genome position (GRCh38, 1-based): chr7:82,954,481, C>A on the plus strand (G>T on the coding strand, the complement: PCLO is on the minus strand). VCF-style: chr7-82954481-C-A. GRCh37 (hg19) VCF-style: chr7-82583797-C-A.
Other names: c.6472G>T, p.Ala2158Ser (NM_014510.3); short protein forms A2158S.
Identifiers: ClinVar variation 1957083 (VCV001957083.5), dbSNP rs2535702303, ClinGen allele CA367919322.

ClinVar aggregate classification (germline): Uncertain significance (1 of 4 stars; one submission).

Submission:

Labcorp Genetics (formerly Invitae), Labcorp
Classification: Uncertain significance. Last evaluated: 2022-08-16. Review status: criteria provided, single submitter. Criteria: Invitae Variant Classification Sherloc (09022015). Collection method: clinical testing. Allele origin: germline.
Comment: In summary, the available evidence is currently insufficient to determine the role of this variant in disease. Therefore, it has been classified as a Variant of Uncertain Significance. Algorithms developed to predict the effect of missense changes on protein structure and function output the following: SIFT: "Tolerated"; PolyPhen-2: "Not Available"; Align-GVGD: "Class C0". The serine amino acid residue is found in multiple mammalian species, which suggests that this missense change does not adversely affect protein function. This variant has not been reported in the literature in individuals affected with PCLO-related conditions. This variant is not present in population databases (gnomAD no frequency). This sequence change replaces alanine, which is neutral and non-polar, with serine, which is neutral and polar, at codon 2158 of the PCLO protein (p.Ala2158Ser).